The following is an entry in ClinVar:

ClinVar aggregate classification (germline): Uncertain significance (1 of 4 stars; one submission).

Submission:

GeneDx
Classification: Uncertain significance. Last evaluated: 2025-09-27. Review status: criteria provided, single submitter. Criteria: GeneDx Variant Classification Process June 2021. Collection method: clinical testing. Allele origin: germline. Affected: yes.
Comment: Not observed at significant frequency in large population cohorts (gnomAD); Has not been previously published as pathogenic or benign to our knowledge; In silico analysis suggests this variant may impact gene splicing. In the absence of RNA/functional studies, the actual effect of this sequence change is unknown.

NM_133433.4(NIPBL):c.8034_8049+6dup

Gene: NIPBL (NIPBL cohesin loading factor; plus strand). Cytogenetic location: 5p13.2.
Variant type: Duplication.
Coding change: c.8034_8049+6dup on transcript NM_133433.4 (MANE Select); coding-DNA position 8034 through 6 bases into the intron after coding-DNA position 8049, 22 bases duplicated (AGGAGGCACTTCAGGGGTGAGG).
Molecular consequence: splice donor variant. On other transcripts: frameshift variant (2).
Genome position (GRCh38, 1-based): chr5:37,063,963-37,063,984, AGGAGGCACTTCAGGGGTGAGG duplicated; duplicating any 22 consecutive bases within chr5:37,063,959-37,063,984 gives the same sequence; the c. name uses the placement nearest the transcript's 3' end. VCF-style (leftmost placement, unchanged base first): chr5-37063958-A-AGAGGAGGAGGCACTTCAGGGGT. GRCh37 (hg19) VCF-style: chr5-37064060-A-AGAGGAGGAGGCACTTCAGGGGT.
Other names: c.8034_8055dup, p.Arg2688fs (NM_001438586.1, NM_015384.5); short protein forms R2688fs.
Identifiers: ClinVar variation 4818922 (VCV004818922.1).